The following is an entry in ClinVar:

ClinVar aggregate classification (germline): Conflicting classifications of pathogenicity. Review status: criteria provided, conflicting classifications (1 of 4 stars). 2 submissions from 2 submitters: Likely pathogenic (1); Uncertain significance (1). Last evaluated 2025-01-28.

Conditions:
Muscle tissue disorder. Also called: Muscle tissue disease; Muscle disorders; Muscular disease; muscle disorder. Identifiers: MedGen CN294483, MONDO:0003939.

gnomAD v4.1: 10 of 1,532,724 alleles (0.00065%); highest among the groups gnomAD compares: Admixed American, 0.0017%; no homozygotes.

Submissions (2):

Dasa
Classification: Uncertain significance. Last evaluated: 2025-01-28. Review status: criteria provided, single submitter. Criteria: DASA Assertion Criteria. Collection method: clinical testing. Allele origin: germline.
Comment: NM_001127671.2(LIFR):c.1438-4A>G is a splice-region variant. This variant has been observed in affected individuals with LIFR-related disorders. Also, this variant is rare in population databases. Computational prediction algorithms are consistent with a deleterious effect. The currently available literature and clinical evidence are not sufficient to establish a definitive association between this variant and the reported condition. Therefore, this variant is classified as a variant of uncertain significance.

AURAGEN, Plan France Médecine Génomique
Classification: Likely pathogenic for Muscle tissue disorder. Last evaluated: 2021-12-13. Review status: criteria provided, single submitter. Criteria: PFMG2025 (Lancet Reg Health Eur. 2025). Collection method: clinical testing. Allele origin: germline. Affected: yes.

NM_001127671.2(LIFR):c.1438-4A>G

Gene: LIFR (LIF receptor subunit alpha; minus strand). Cytogenetic location: 5p13.1.
Variant type: single nucleotide variant.
Coding change: c.1438-4A>G on transcript NM_001127671.2 (MANE Select); 4 bases into the intron before coding-DNA position 1438, A replaced by G.
Molecular consequence: intron variant.
Genome position (GRCh38, 1-based): chr5:38,502,803, T>C on the plus strand (A>G on the coding strand, the complement: LIFR is on the minus strand). VCF-style: chr5-38502803-T-C. GRCh37 (hg19) VCF-style: chr5-38502905-T-C.
Other names: c.1438-4A>G (NM_002310.6, NM_001364298.2, NM_001364297.2).
Identifiers: ClinVar variation 4881022 (VCV004881022.3).